The following is an entry in ClinVar:

ClinVar aggregate classification (germline): Pathogenic. Review status: criteria provided, multiple submitters, no conflicts (2 of 4 stars). 2 submissions from 2 submitters: Pathogenic (2). Last evaluated 2026-02-05.

Conditions:
Hereditary cancer-predisposing syndrome. Also called: Hereditary Cancer Syndrome; Tumor predisposition; Neoplastic Syndromes, Hereditary; Hereditary neoplastic syndrome. Identifiers: Orphanet 140162, MedGen C0027672, MeSH D009386, MONDO:0015356.
Tuberous sclerosis 1 (TSC1). Identifiers: Orphanet 805, MedGen C1854465, MONDO:0008612, OMIM 191100.

Submissions (2):

Ambry Genetics
Classification: Pathogenic for Hereditary cancer-predisposing syndrome. Last evaluated: 2026-02-05. Review status: criteria provided, single submitter. Criteria: Ambry Variant Classification Scheme 2023. Collection method: clinical testing. Allele origin: germline.
Comment: The p.K869* pathogenic mutation (also known as c.2605A>T), located in coding exon 18 of the TSC1 gene, results from an A to T substitution at nucleotide position 2605. This changes the amino acid from a lysine to a stop codon within coding exon 18. This variant is considered to be rare based on population cohorts in the Genome Aggregation Database (gnomAD). This alteration is expected to result in loss of function by premature protein truncation or nonsense-mediated mRNA decay. As such, this alteration is interpreted as a disease-causing mutation.

Labcorp Genetics (formerly Invitae), Labcorp
Classification: Pathogenic for Tuberous sclerosis 1. Last evaluated: 2019-02-06. Review status: criteria provided, single submitter. Criteria: Invitae Variant Classification Sherloc (09022015). Collection method: clinical testing. Allele origin: germline.
Comment: For these reasons, this variant has been classified as Pathogenic. Loss-of-function variants in TSC1 are known to be pathogenic (PMID: 10227394, 17304050). This variant has not been reported in the literature in individuals with TSC1-related conditions. This variant is not present in population databases (ExAC no frequency). This sequence change creates a premature translational stop signal (p.Lys869*) in the TSC1 gene. It is expected to result in an absent or disrupted protein product.

Literature cited by the submitters: PubMed 10227394 (cited by Labcorp Genetics (formerly Invitae), Labcorp); PubMed 17304050 (cited by Labcorp Genetics (formerly Invitae), Labcorp).

NM_000368.5(TSC1):c.2605A>T (p.Lys869Ter)

Gene: TSC1 (TSC complex subunit 1; minus strand). Cytogenetic location: 9q34.13.
Variant type: single nucleotide variant.
Coding change: c.2605A>T on transcript NM_000368.5 (MANE Select); coding-DNA position 2605, A replaced by T.
Protein change: p.Lys869Ter; replaces lysine 869 with a stop codon.
Molecular consequence: nonsense.
Genome position (GRCh38, 1-based): chr9:132,900,735, T>A on the plus strand (A>T on the coding strand, the complement: TSC1 is on the minus strand). VCF-style: chr9-132900735-T-A. GRCh37 (hg19) VCF-style: chr9-135776122-T-A.
Other names: c.2602A>T, p.Lys868Ter (NM_001162426.2); c.2452A>T, p.Lys818Ter (NM_001162427.2); c.2242A>T, p.Lys748Ter (NM_001362177.2); short protein forms K748*, K868*, K818*, K869*.
Identifiers: ClinVar variation 859442 (VCV000859442.8), dbSNP rs1845327789, ClinGen allele CA375369900.